The following is an entry in ClinVar:

NM_000188.3(HK1):c.1934A>C (p.Glu645Ala)

Gene: HK1 (hexokinase 1; plus strand). Cytogenetic location: 10q22.1.
Variant type: single nucleotide variant.
Coding change: c.1934A>C on transcript NM_000188.3 (MANE Select); coding-DNA position 1934, A replaced by C.
Protein change: p.Glu645Ala; replaces glutamic acid 645 with alanine.
Molecular consequence: missense variant. On other transcripts: non-coding transcript variant (2).
Genome position (GRCh38, 1-based): chr10:69,386,417, A>C. VCF-style: chr10-69386417-A-C. GRCh37 (hg19) VCF-style: chr10-71146173-A-C.
Other names: c.1946A>C, p.Glu649Ala (NM_001322364.2, NM_001358263.1, NM_033497.3 and 1 more transcripts); c.2039A>C, p.Glu680Ala (NM_001322365.2); c.1850A>C, p.Glu617Ala (NM_001322366.1, NM_001441143.1); c.1838A>C, p.Glu613Ala (NM_001322367.1); c.1931A>C, p.Glu644Ala (NM_001441139.1, NM_033496.3); c.1925A>C, p.Glu642Ala (NM_001441140.1); c.1934A>C, p.Glu645Ala (NM_001441141.1, NM_001441146.1, NM_001441148.1); c.1892A>C, p.Glu631Ala (NM_001441142.1); and 8 more; short protein forms E309A, E432A, E571A, E631A, E407A, E515A, E633A, E680A.
Identifiers: ClinVar variation 4719605 (VCV004719605.1).
Genomic context (GRCh38, chr10:69,386,417, plus strand): 5'-CAACAGACTGCGTGGGCCACGATGTAGTCACCTTACTAAGGGATGCGATAAAAAGGAGAG[A>C]GGTAACTATTAAAAGAATGTTTTTTAAAATCTTTACTGTTTTAGGGGCTTCTAAAAAGTG-3'
Protein context (NP_000179.2, residues 635-655): TLLRDAIKRR[Glu645Ala]EFDLDVVAVV

ClinVar aggregate classification (germline): Uncertain significance (1 of 4 stars; one submission).

Submission:

Labcorp Genetics (formerly Invitae), Labcorp
Classification: Uncertain significance. Last evaluated: 2025-05-19. Review status: criteria provided, single submitter. Criteria: Invitae Variant Classification Sherloc (09022015). Collection method: clinical testing. Allele origin: germline.
Comment: This sequence change replaces glutamic acid, which is acidic and polar, with alanine, which is neutral and non-polar, at codon 645 of the HK1 protein (p.Glu645Ala). This variant is not present in population databases (gnomAD no frequency). This variant has not been reported in the literature in individuals affected with HK1-related conditions. An algorithm developed to predict the effect of missense changes on protein structure and function (PolyPhen-2) suggests that this variant is likely to be tolerated. Algorithms developed to predict the effect of sequence changes on RNA splicing suggest that this variant may disrupt the consensus splice site. In summary, the available evidence is currently insufficient to determine the role of this variant in disease. Therefore, it has been classified as a Variant of Uncertain Significance.